The following is an entry in ClinVar:

ClinVar aggregate classification (germline): Uncertain significance (1 of 4 stars; one submission).

gnomAD v4.1: 8 of 1,581,816 alleles (0.00051%); highest among the groups gnomAD compares: South Asian, 0.0011%; no homozygotes.

Submission:

Labcorp Genetics (formerly Invitae), Labcorp
Classification: Uncertain significance. Last evaluated: 2025-12-17. Review status: criteria provided, single submitter. Criteria: Invitae Variant Classification Sherloc (09022015). Collection method: clinical testing. Allele origin: germline.
Comment: This sequence change replaces serine, which is neutral and polar, with proline, which is neutral and non-polar, at codon 311 of the IL17RD protein (p.Ser311Pro). This variant is not present in population databases (gnomAD no frequency). This variant has not been reported in the literature in individuals affected with IL17RD-related conditions. Invitae Evidence Modeling of protein sequence and biophysical properties (such as structural, functional, and spatial information, amino acid conservation, physicochemical variation, residue mobility, and thermodynamic stability) indicates that this missense variant is expected to disrupt IL17RD protein function with a positive predictive value of 80%. In summary, the available evidence is currently insufficient to determine the role of this variant in disease. Therefore, it has been classified as a Variant of Uncertain Significance.

NM_017563.5(IL17RD):c.931T>C (p.Ser311Pro)

Gene: IL17RD (interleukin 17 receptor D; minus strand). Cytogenetic location: 3p14.3.
Variant type: single nucleotide variant.
Coding change: c.931T>C on transcript NM_017563.5 (MANE Select); coding-DNA position 931, T replaced by C.
Protein change: p.Ser311Pro; replaces serine 311 with proline.
Molecular consequence: missense variant.
Genome position (GRCh38, 1-based): chr3:57,102,527, A>G on the plus strand (T>C on the coding strand, the complement: IL17RD is on the minus strand). VCF-style: chr3-57102527-A-G. GRCh37 (hg19) VCF-style: chr3-57136555-A-G.
Other names: c.499T>C, p.Ser167Pro (NM_001318864.2); short protein forms S167P, S311P.
Identifiers: ClinVar variation 4775932 (VCV004775932.1).
Genomic context (GRCh38, chr3:57,102,527, plus strand): 5'-ACAAAGAGATACCTTGTTGCTTCTTGCGGCACATCACAGTGAAGAGCGTCGCGAATGCCG[A>G]TATGACTACCAGTGGCACTGTGATGGCCACGGCTCTGATGGGCCCGGCCCACGGGGAGTG-3'
Protein context (NP_060033.3, residues 301-321): VAITVPLVVI[Ser311Pro]AFATLFTVMC